The following is an entry in ClinVar:

ClinVar aggregate classification (germline): Uncertain significance (1 of 4 stars; one submission).

Conditions:
Progressive familial heart block type IB (PFHB1B). Identifiers: Orphanet 871, MedGen C1970298, MONDO:0011474, OMIM 604559.

Allele frequency attached by ClinVar (database versions not stated): gnomAD 0.00001.

Submission:

Labcorp Genetics (formerly Invitae), Labcorp
Classification: Uncertain significance for Progressive familial heart block type IB. Last evaluated: 2021-09-25. Review status: criteria provided, single submitter. Criteria: Invitae Variant Classification Sherloc (09022015). Collection method: clinical testing. Allele origin: germline.
Comment: In summary, the available evidence is currently insufficient to determine the role of this variant in disease. Therefore, it has been classified as a Variant of Uncertain Significance. Variants that disrupt the consensus splice site are a relatively common cause of aberrant splicing (PMID: 17576681, 9536098). Algorithms developed to predict the effect of sequence changes on RNA splicing suggest that this variant may disrupt the consensus splice site. This variant has not been reported in the literature in individuals affected with TRPM4-related conditions. This variant is not present in population databases (ExAC no frequency). This sequence change falls in intron 21 of the TRPM4 gene. It does not directly change the encoded amino acid sequence of the TRPM4 protein. It affects a nucleotide within the consensus splice site of the intron.

Literature cited by the submitters: PubMed 17576681; PubMed 9536098.

NM_017636.4(TRPM4):c.3329-3C>G

Gene: TRPM4 (transient receptor potential cation channel subfamily M member 4; plus strand). Cytogenetic location: 19q13.33.
Variant type: single nucleotide variant.
Coding change: c.3329-3C>G on transcript NM_017636.4 (MANE Select); 3 bases into the intron before coding-DNA position 3329, C replaced by G.
Molecular consequence: intron variant.
Genome position (GRCh38, 1-based): chr19:49,210,707, C>G. VCF-style: chr19-49210707-C-G. GRCh37 (hg19) VCF-style: chr19-49713964-C-G.
Other names: c.2894-3C>G (NM_001195227.2); c.1721-3C>G (NM_001321282.2); c.2984-3C>G (NM_001321281.2); c.2807-3C>G (NM_001321283.2); c.2267-3C>G (NM_001321285.2).
Identifiers: ClinVar variation 1405648 (VCV001405648.6), dbSNP rs1969323544, ClinGen allele CA996673825.